The following is an entry in ClinVar:

NM_001165963.4(SCN1A):c.4161C>G (p.Ile1387Met)

Genes: SCN1A (sodium voltage-gated channel alpha subunit 1; minus strand), LOC102724058 (uncharacterized LOC102724058; plus strand). Cytogenetic location: 2q24.3.
Variant type: single nucleotide variant.
Coding change: c.4161C>G on transcript NM_001165963.4 (MANE Select); coding-DNA position 4161, C replaced by G.
Protein change: p.Ile1387Met; replaces isoleucine 1387 with methionine.
Molecular consequence: missense variant. On other transcripts: non-coding transcript variant (1).
Genome position (GRCh38, 1-based): chr2:166,002,595, G>C on the plus strand (C>G on the coding strand, the complement: SCN1A is on the minus strand). VCF-style: chr2-166002595-G-C. GRCh37 (hg19) VCF-style: chr2-166859105-G-C.
Other names: c.4077C>G, p.Ile1359Met (NM_001165964.3, NM_001353957.2, NM_001353958.2); c.4161C>G, p.Ile1387Met (NM_001202435.3, NM_001353948.2); c.4128C>G, p.Ile1376Met (NM_001353949.2, NM_001353950.2, NM_001353951.2 and 2 more transcripts); c.4125C>G, p.Ile1375Met (NM_001353954.2, NM_001353955.2); c.4074C>G, p.Ile1358Met (NM_001353960.2); c.1719C>G, p.Ile573Met (NM_001353961.2); short protein forms I1358M, I1375M, I1387M, I573M, I1359M, I1376M.
Identifiers: ClinVar variation 2767758 (VCV002767758.3), dbSNP rs761168283, ClinGen allele CA349050235.
Genomic context (GRCh38, chr2:166,002,595, plus strand): 5'-TCGAGCAGTCTCATTTCTTTCTATTAGTTTTAGGCAATCAGTATGATTATTCACGTCTTC[G>C]ATGTCAAACCTGTCACCAGTTGTGGTGTTAATACAGTGGTAGAATTTGCCAGCAAACAAA-3'
Protein context (NP_001159435.1, residues 1377-1397): INTTTGDRFD[Ile1387Met]EDVNNHTDCL

ClinVar aggregate classification (germline): Uncertain significance (1 of 4 stars; one submission).

Conditions:
Early-infantile DEE. Also called: Ohtahara syndrome; Early infantile epileptic encephalopathy; Early infantile epileptic encephalopathy with suppression bursts. Identifiers: Orphanet 1934, MedGen C0393706, MONDO:0800491.

Submission:

Labcorp Genetics (formerly Invitae), Labcorp
Classification: Uncertain significance for Early-infantile DEE. Last evaluated: 2024-02-05. Review status: criteria provided, single submitter. Criteria: Invitae Variant Classification Sherloc (09022015). Collection method: clinical testing. Allele origin: germline.
Comment: This sequence change replaces isoleucine, which is neutral and non-polar, with methionine, which is neutral and non-polar, at codon 1387 of the SCN1A protein (p.Ile1387Met). This variant is not present in population databases (gnomAD no frequency). This variant has not been reported in the literature in individuals affected with SCN1A-related conditions. Advanced modeling of protein sequence and biophysical properties (such as structural, functional, and spatial information, amino acid conservation, physicochemical variation, residue mobility, and thermodynamic stability) performed at Invitae indicates that this missense variant is not expected to disrupt SCN1A protein function with a negative predictive value of 95%. In summary, the available evidence is currently insufficient to determine the role of this variant in disease. Therefore, it has been classified as a Variant of Uncertain Significance.